The following is an entry in ClinVar:

NM_001267550.2(TTN):c.98054A>G (p.Glu32685Gly)

Genes: TTN (titin; minus strand), TTN-AS1 (TTN antisense RNA 1; plus strand). Cytogenetic location: 2q31.2.
Variant type: single nucleotide variant.
Coding change: c.98054A>G on transcript NM_001267550.2 (MANE Select); coding-DNA position 98054, A replaced by G.
Protein change: p.Glu32685Gly; replaces glutamic acid 32685 with glycine.
Molecular consequence: missense variant. On other transcripts: non-coding transcript variant (1).
Genome position (GRCh38, 1-based): chr2:178,540,112, T>C on the plus strand (A>G on the coding strand, the complement: TTN is on the minus strand). VCF-style: chr2-178540112-T-C. GRCh37 (hg19) VCF-style: chr2-179404839-T-C.
Other names: c.93131A>G, p.Glu31044Gly (NM_001256850.1); c.70859A>G, p.Glu23620Gly (NM_003319.4); c.90350A>G, p.Glu30117Gly (NM_133378.4); c.71234A>G, p.Glu23745Gly (NM_133432.3); c.71435A>G, p.Glu23812Gly (NM_133437.4); short protein forms E23745G, E23812G, E23620G, E31044G, E32685G, E30117G.
Identifiers: ClinVar variation 1757057 (VCV001757057.13), dbSNP rs762387276, ClinGen allele CA1986447.

ClinVar aggregate classification (germline): Uncertain significance. Review status: criteria provided, multiple submitters, no conflicts (2 of 4 stars). 3 submissions from 3 submitters: Uncertain significance (3). Last evaluated 2023-06-01.

Conditions:
Cardiovascular phenotype. Identifiers: MedGen CN230736.
Primary dilated cardiomyopathy (DCM). Also called: Dilated Cardiomyopathy. Identifiers: Orphanet 217604, MedGen C0007193, MeSH D002311, MONDO:0005021, HP:0001644. Inheritance: Various modes of inheritance.

Allele frequency attached by ClinVar (database versions not stated): ExAC 0.00002; gnomAD 0.00002; gnomAD exomes 0.00002; 1000 Genomes Project 30x 0.00031.
gnomAD v4.1: 13 of 1,610,400 alleles (0.00081%); highest among the groups gnomAD compares: East Asian, 0.016%; no homozygotes.

Submissions (3):

Clinical Center for Gene Diagnosis and Therapy, Department of Cardiovascular Surgery, The Second Xiangya Hospital of Central South University
Classification: Uncertain significance for Primary dilated cardiomyopathy. Last evaluated: 2023-06-01. Review status: criteria provided, single submitter. Criteria: ACMG Guidelines, 2015. Collection method: clinical testing. Allele origin: germline. Affected: yes.

Ambry Genetics
Classification: Uncertain significance for Cardiovascular phenotype. Last evaluated: 2019-06-26. Review status: criteria provided, single submitter. Criteria: Ambry Variant Classification Scheme 2023. Collection method: clinical testing. Allele origin: germline.
Comment: The p.E23620G variant (also known as c.70859A>G), located in coding exon 178 of the TTN gene, results from an A to G substitution at nucleotide position 70859. The glutamic acid at codon 23620 is replaced by glycine, an amino acid with similar properties. This amino acid position is highly conserved in available vertebrate species. In addition, this alteration is predicted to be tolerated by in silico analysis. Since supporting evidence is limited at this time, the clinical significance of this alteration remains unclear.

Revvity Omics, Revvity
Classification: Uncertain significance. Last evaluated: 2019-06-21. Review status: criteria provided, single submitter. Criteria: ACMG Guidelines, 2015. Collection method: clinical testing. Allele origin: germline.